The following is an entry in ClinVar:

NM_017934.7(PHIP):c.442G>T (p.Asp148Tyr)

Gene: PHIP (PHIP subunit of CUL4-Ring ligase complex; minus strand). Cytogenetic location: 6q14.1.
Variant type: single nucleotide variant.
Coding change: c.442G>T on transcript NM_017934.7 (MANE Select); coding-DNA position 442, G replaced by T.
Protein change: p.Asp148Tyr; replaces aspartic acid 148 with tyrosine.
Molecular consequence: missense variant.
Genome position (GRCh38, 1-based): chr6:79,043,001, C>A on the plus strand (G>T on the coding strand, the complement: PHIP is on the minus strand). VCF-style: chr6-79043001-C-A. GRCh37 (hg19) VCF-style: chr6-79752718-C-A.
Other names: short protein forms D148Y.
Identifiers: ClinVar variation 3357656 (VCV003357656.1).

ClinVar aggregate classification (germline): Uncertain significance (0 of 4 stars; one submission).

Conditions:
PHIP-related disorder. Also called: PHIP-related condition; PHIP-related disorders.

gnomAD v4.1: 1 of 1,601,382 alleles (0.000062%); highest among the groups gnomAD compares: Non-Finnish European, 0.000085%; no homozygotes.

Submission:

PreventionGenetics, part of Exact Sciences
Classification: Uncertain significance for PHIP-related condition. Last evaluated: 2024-05-26. Review status: no assertion criteria provided. Collection method: clinical testing. Allele origin: germline.
Comment: The PHIP c.442G>T variant is predicted to result in the amino acid substitution p.Asp148Tyr. To our knowledge, this variant has not been reported in the literature or in a large population database, indicating this variant is rare. At this time, the clinical significance of this variant is uncertain due to the absence of conclusive functional and genetic evidence.